The following is an entry in ClinVar:

ClinVar aggregate classification (germline): Uncertain significance (1 of 4 stars; one submission).

Submission:

GeneDx
Classification: Uncertain significance. Last evaluated: 2025-08-04. Review status: criteria provided, single submitter. Criteria: GeneDx Variant Classification Process June 2021. Collection method: clinical testing. Allele origin: germline. Affected: yes.
Comment: Not observed at significant frequency in large population cohorts (gnomAD); In silico analysis supports that this missense variant has a deleterious effect on protein structure/function; Has not been previously published as pathogenic or benign to our knowledge

NM_001145358.2(SIN3A):c.2756A>G (p.Glu919Gly)

Gene: SIN3A (SIN3 transcription regulator family member A; minus strand). Cytogenetic location: 15q24.2.
Variant type: single nucleotide variant.
Coding change: c.2756A>G on transcript NM_001145358.2 (MANE Select); coding-DNA position 2756, A replaced by G.
Protein change: p.Glu919Gly; replaces glutamic acid 919 with glycine.
Molecular consequence: missense variant.
Genome position (GRCh38, 1-based): chr15:75,392,337, T>C on the plus strand (A>G on the coding strand, the complement: SIN3A is on the minus strand). VCF-style: chr15-75392337-T-C. GRCh37 (hg19) VCF-style: chr15-75684678-T-C.
Other names: c.2756A>G, p.Glu919Gly (NM_001145357.2, NM_001437462.1, NM_001437463.1 and 1 more transcripts); short protein forms E919G.
Identifiers: ClinVar variation 4755855 (VCV004755855.1).
Genomic context (GRCh38, chr15:75,392,337, plus strand): 5'-TCACTCTTGTCTCGCTTTATGCCCAGCACTTCCCGTTCCCATTCTCTCTCTCGGTTTTCT[T>C]CTTCAATTTGCCGTTCGGCTTGGGAACAAATCCGTAGCAGCCTCAGGCAGAGAATCTGGT-3'
Protein context (NP_001138830.1, residues 909-929): ICSQAERQIE[Glu919Gly]ENREREWERE